The following is an entry in ClinVar:

NM_020458.4(TTC7A):c.1860C>T (p.Leu620=)

Gene: TTC7A (tetratricopeptide repeat domain 7A; plus strand). Cytogenetic location: 2p21.
Variant type: single nucleotide variant.
Coding change: c.1860C>T on transcript NM_020458.4 (MANE Select); coding-DNA position 1860, C replaced by T.
Protein change: p.Leu620=; no amino-acid change (leucine 620 retained).
Molecular consequence: synonymous variant.
Genome position (GRCh38, 1-based): chr2:47,046,372, C>T. VCF-style: chr2-47046372-C-T. GRCh37 (hg19) VCF-style: chr2-47273511-C-T.
Other names: c.1860C>T, p.Leu620= (LRG_1323t1, NM_001288951.2); c.1758C>T, p.Leu586= (NM_001288953.2); c.798C>T, p.Leu266= (NM_001288955.2).
Identifiers: ClinVar variation 458794 (VCV000458794.16), dbSNP rs13427658, ClinGen allele CA1647883.

ClinVar aggregate classification (germline): Benign. Review status: criteria provided, multiple submitters, no conflicts (2 of 4 stars). 4 submissions from 4 submitters: Benign (3). 1 of the submissions does not count toward it. Last evaluated 2026-02-01.

Conditions:
Multiple gastrointestinal atresias. Also called: Multiple intestinal atresia; FAMILIAL INTESTINAL POLYATRESIA SYNDROME. Identifiers: Orphanet 2300, MedGen C0220744, MONDO:0009465.
TTC7A-related disorder. Also called: TTC7A-related condition.

Allele frequency attached by ClinVar (database versions not stated): gnomAD exomes 0.00757; ExAC 0.00976; gnomAD 0.02838 and 0.03052; TOPMed 0.03223; 1000 Genomes Project 0.03255; ESP Exome Variant Server 0.03437; 1000 Genomes Project 30x 0.03560.
gnomAD v4.1: 8,772 of 1,614,128 alleles (0.54%); highest among the groups gnomAD compares: African/African-American, 10%; 424 homozygotes.

Submissions (4):

Labcorp Genetics (formerly Invitae), Labcorp
Classification: Benign for Multiple gastrointestinal atresias. Last evaluated: 2026-02-01. Review status: criteria provided, single submitter. Criteria: Invitae Variant Classification Sherloc (09022015). Collection method: clinical testing. Allele origin: germline.

GeneDx
Classification: Benign. Last evaluated: 2018-07-09. Review status: criteria provided, single submitter. Criteria: GeneDx Variant Classification Process June 2021. Collection method: clinical testing. Allele origin: germline. Affected: yes.

Breakthrough Genomics
Classification: Benign. Review status: criteria provided, single submitter. Criteria: ACMG Guidelines, 2015. Collection method: not provided. Allele origin: germline. Inheritance: Autosomal recessive inheritance. Affected: yes.

PreventionGenetics, part of Exact Sciences
Classification: Benign for TTC7A-related condition. Last evaluated: 2019-04-01. Review status: no assertion criteria provided. Collection method: clinical testing. Allele origin: germline. Not counted in ClinVar's aggregate classification.
Comment: This variant is classified as benign based on ACMG/AMP sequence variant interpretation guidelines (Richards et al. 2015 PMID: 25741868, with internal and published modifications).